The following is an entry in ClinVar:

NM_144670.6(A2ML1):c.2310T>C (p.Thr770=)

Gene: A2ML1 (alpha-2-macroglobulin like 1; plus strand). Cytogenetic location: 12p13.31.
Variant type: single nucleotide variant.
Coding change: c.2310T>C on transcript NM_144670.6 (MANE Select); coding-DNA position 2310, T replaced by C.
Protein change: p.Thr770=; no amino-acid change (threonine 770 retained).
Molecular consequence: synonymous variant.
Genome position (GRCh38, 1-based): chr12:8,851,859, T>C. VCF-style: chr12-8851859-T-C. GRCh37 (hg19) VCF-style: chr12-9004455-T-C.
Other names: c.837T>C, p.Thr279= (NM_001282424.3).
Identifiers: ClinVar variation 695296 (VCV000695296.37), dbSNP rs370481255, ClinGen allele CA6435986.

ClinVar aggregate classification (germline): Likely benign. Review status: criteria provided, multiple submitters, no conflicts (2 of 4 stars). 5 submissions from 5 submitters: Likely benign (5). Last evaluated 2025-12-22.

Allele frequency attached by ClinVar (database versions not stated): ExAC 0.00002; gnomAD 0.00002; gnomAD exomes 0.00002 and 0.00004; TOPMed 0.00003.
gnomAD v4.1: 53 of 1,614,114 alleles (0.0033%); highest among the groups gnomAD compares: South Asian, 0.02%; no homozygotes.

Submissions (5):

Labcorp Genetics (formerly Invitae), Labcorp
Classification: Likely benign. Last evaluated: 2025-12-22. Review status: criteria provided, single submitter. Criteria: Invitae Variant Classification Sherloc (09022015). Collection method: clinical testing. Allele origin: germline.

Blueprint Genetics
Classification: Likely benign. Last evaluated: 2024-11-25. Review status: criteria provided, single submitter. Criteria: ACMG Guidelines, 2015. Collection method: clinical testing. Allele origin: germline.

Women's Health and Genetics/Laboratory Corporation of America, LabCorp
Classification: Likely benign. Last evaluated: 2022-04-17. Review status: criteria provided, single submitter. Criteria: LabCorp Variant Classification Summary - May 2015. Collection method: clinical testing. Allele origin: germline.

CeGaT Center for Human Genetics Tuebingen
Classification: Likely benign. Last evaluated: 2022-03-01. Review status: criteria provided, single submitter. Criteria: CeGaT Center For Human Genetics Tuebingen Variant Classification Criteria Version 2. Collection method: clinical testing. Allele origin: germline. Affected: yes. Observed: 1 variant allele.
Comment: A2ML1: BP4, BP7

Ambry Genetics
Classification: Likely benign. Last evaluated: 2020-02-14. Review status: criteria provided, single submitter. Criteria: Ambry Variant Classification Scheme 2023. Collection method: clinical testing. Allele origin: germline.